The following is an entry in ClinVar:

NM_000038.6(APC):c.1743+1G>T

Gene: APC (APC regulator of Wnt signaling pathway; plus strand). Cytogenetic location: 5q22.2.
Variant type: single nucleotide variant.
Coding change: c.1743+1G>T on transcript NM_000038.6 (MANE Select); the canonical splice donor site of the intron after coding-DNA position 1743, G replaced by T.
Molecular consequence: splice donor variant.
Genome position (GRCh38, 1-based): chr5:112,828,973, G>T. VCF-style: chr5-112828973-G-T. GRCh37 (hg19) VCF-style: chr5-112164670-G-T.
Other names: c.894+1G>T (NM_001407470.1, NM_001354906.2); c.591+1G>T (NM_001407472.1, NM_001407471.1); c.1797+1G>T (NM_001407447.1, NM_001407448.1, NM_001407449.1 and 1 more transcripts); c.1743+1G>T (NM_001354895.2, NM_001407450.1, NM_001127510.3); c.1494+1G>T (NM_001407456.1, NM_001407457.1, NM_001407455.1 and 1 more transcripts); c.1440+1G>T (NM_001407460.1, NM_001407458.1, NM_001407459.1 and 1 more transcripts); c.1713+1G>T (NM_001407452.1); c.1356+1G>T (NM_001407469.1, NM_001407467.1); and 11 more.
Identifiers: ClinVar variation 232800 (VCV000232800.13), dbSNP rs761458613, ClinGen allele CA10578324.

ClinVar aggregate classification (germline): Likely pathogenic. Review status: criteria provided, multiple submitters, no conflicts (2 of 4 stars). 4 submissions from 4 submitters: Likely pathogenic (4). Last evaluated 2025-02-27.

Conditions:
Familial adenomatous polyposis 1 (FAP1). Also called: FAMILIAL ADENOMATOUS POLYPOSIS 1, ATTENUATED; POLYPOSIS, ADENOMATOUS INTESTINAL. Identifiers: MedGen C2713442, MONDO:0021056, OMIM 175100. Disease mechanism: loss of function.
Hereditary cancer-predisposing syndrome. Also called: Neoplastic Syndromes, Hereditary; Tumor predisposition; Hereditary Cancer Syndrome; Hereditary neoplastic syndrome. Identifiers: Orphanet 140162, MedGen C0027672, MeSH D009386, MONDO:0015356.

Allele frequency attached by ClinVar (database versions not stated): TOPMed below 0.00001.

Submissions (4):

Labcorp Genetics (formerly Invitae), Labcorp
Classification: Likely pathogenic for Familial adenomatous polyposis 1. Last evaluated: 2025-02-27. Review status: criteria provided, single submitter. Criteria: Invitae Variant Classification Sherloc (09022015). Collection method: clinical testing. Allele origin: germline.
Comment: This sequence change affects a donor splice site in intron 14 of the APC gene. It is expected to disrupt RNA splicing. Variants that disrupt the donor or acceptor splice site typically lead to a loss of protein function (PMID: 16199547), and loss-of-function variants in APC are known to be pathogenic (PMID: 17963004, 20685668). This variant is not present in population databases (gnomAD no frequency). Disruption of this splice site has been observed in individual(s) with familial adenomatous polyposis (PMID: 20685668). ClinVar contains an entry for this variant (Variation ID: 232800). Algorithms developed to predict the effect of sequence changes on RNA splicing suggest that this variant may disrupt the consensus splice site. In summary, the currently available evidence indicates that the variant is pathogenic, but additional data are needed to prove that conclusively. Therefore, this variant has been classified as Likely Pathogenic.

Myriad Genetics, Inc.
Classification: Likely pathogenic for Familial adenomatous polyposis 1. Last evaluated: 2023-05-03. Review status: criteria provided, single submitter. Criteria: Myriad Autosomal Dominant, Autosomal Recessive and X-Linked Classification Criteria (2023). Collection method: clinical testing. Allele origin: unknown.
Comment: This variant is considered likely pathogenic. This variant occurs within a consensus splice junction and is predicted to result in abnormal mRNA splicing of either an out-of-frame exon or an in-frame exon necessary for protein stability and/or normal function.

Sema4
Classification: Likely pathogenic for Hereditary cancer-predisposing syndrome. Last evaluated: 2022-02-11. Review status: criteria provided, single submitter. Criteria: Sema4 Curation Guidelines. Collection method: curation. Allele origin: germline.
Comment: The APC c.1743+1G>T variant has been reported in heterozygosity in at least one individual with familial adenomatous polyposis (PMID: 20685668). This variant affects a nucleotide within a consensus splice site of an intron. This variant may cause exon skipping, intron retention or use of a cryptic splice site, which may lead to loss of protein function. Loss of function variants in APC are known to be pathogenic (PMID: 17963004, 20685668). This variant is not reported in the population database Genome Aggregation Database (PMID: 32461654). The variant has been reported in ClinVar (Variation ID: 232800). Based on the current evidence available, this variant is interpreted as likely pathogenic.

Ambry Genetics
Classification: Likely pathogenic for Hereditary cancer-predisposing syndrome. Last evaluated: 2017-12-04. Review status: criteria provided, single submitter. Criteria: Ambry Variant Classification Scheme 2023. Collection method: clinical testing. Allele origin: germline.
Comment: The c.1743+1G>T intronic variant results from a G to T substitution one nucleotide after N/A of the APC gene. Using the BDGP and ESEfinder splice site prediction tools, this alteration is predicted to abolish the native splice donor site; however, direct evidence is unavailable. Alterations that disrupt the canonical splice site are expected to cause aberrant splicing, resulting in an abnormal protein or a transcript that is subject to nonsense-mediated mRNA decay. As such, this alteration is classified as likely pathogenic.

Literature cited by the submitters: PubMed 16199547 (cited by Labcorp Genetics (formerly Invitae), Labcorp); PubMed 17963004 (cited by Labcorp Genetics (formerly Invitae), Labcorp and Sema4); PubMed 20685668 (cited by 3 submitters); PubMed 25525159 (cited by Ambry Genetics).